The following is an entry in ClinVar:

ClinVar aggregate classification (germline): Uncertain significance (1 of 4 stars; one submission).

Conditions:
NIK deficiency. Also called: Primary immunodeficiency with multifaceted aberrant lymphoid immunity. Identifiers: Orphanet 447731, MedGen C5680065, MONDO:0018642.

Allele frequency attached by ClinVar (database versions not stated): TOPMed 0.00001.
gnomAD v4.1: 5 of 1,613,818 alleles (0.00031%); highest among the groups gnomAD compares: South Asian, 0.0011%; no homozygotes.

Submission:

Labcorp Genetics (formerly Invitae), Labcorp
Classification: Uncertain significance for NIK deficiency. Last evaluated: 2019-06-28. Review status: criteria provided, single submitter. Criteria: Invitae Variant Classification Sherloc (09022015). Collection method: clinical testing. Allele origin: germline.
Comment: This variant is not present in population databases (ExAC no frequency). In summary, the available evidence is currently insufficient to determine the role of this variant in disease. Therefore, it has been classified as a Variant of Uncertain Significance. Algorithms developed to predict the effect of missense changes on protein structure and function (SIFT, PolyPhen-2, Align-GVGD) all suggest that this variant is likely to be tolerated, but these predictions have not been confirmed by published functional studies and their clinical significance is uncertain. This variant has not been reported in the literature in individuals with MAP3K14-related conditions. This sequence change replaces glycine with arginine at codon 248 of the MAP3K14 protein (p.Gly248Arg). The glycine residue is weakly conserved and there is a small physicochemical difference between glycine and arginine.

NM_003954.5(MAP3K14):c.742G>A (p.Gly248Arg)

Gene: MAP3K14 (mitogen-activated protein kinase kinase kinase 14; minus strand). Cytogenetic location: 17q21.31.
Variant type: single nucleotide variant.
Coding change: c.742G>A on transcript NM_003954.5 (MANE Select); coding-DNA position 742, G replaced by A.
Protein change: p.Gly248Arg; replaces glycine 248 with arginine.
Molecular consequence: missense variant.
Genome position (GRCh38, 1-based): chr17:45,286,841, C>T on the plus strand (G>A on the coding strand, the complement: MAP3K14 is on the minus strand). VCF-style: chr17-45286841-C-T. GRCh37 (hg19) VCF-style: chr17-43364208-C-T.
Other names: short protein forms G248R.
Identifiers: ClinVar variation 949959 (VCV000949959.7), dbSNP rs2044269990, ClinGen allele CA399888864.